The following is an entry in ClinVar:

ClinVar aggregate classification (germline): Likely benign (1 of 4 stars; one submission).

Conditions:
SLCO1B3-related disorder. Also called: SLCO1B3-related condition.

Submission:

PreventionGenetics, part of Exact Sciences
Classification: Likely benign for SLCO1B3-related condition. Last evaluated: 2026-08-19. Review status: criteria provided, single submitter. Criteria: ACMG Guidelines, 2015. Collection method: clinical testing. Allele origin: germline.
Comment: This variant is classified as likely benign based on ACMG/AMP sequence variant interpretation guidelines (Richards et al. 2015 PMID: 25741868, with internal and published modifications).

NM_019844.4(SLCO1B3):c.48A>G (p.Ser16=)

Genes: SLCO1B3 (solute carrier organic anion transporter family member 1B3; plus strand), SLCO1B3-SLCO1B7 (SLCO1B3-SLCO1B7 readthrough; plus strand). Cytogenetic location: 12p12.2.
Variant type: single nucleotide variant.
Coding change: c.48A>G on transcript NM_019844.4 (MANE Select); coding-DNA position 48, A replaced by G.
Protein change: p.Ser16=; no amino-acid change (serine 16 retained).
Molecular consequence: synonymous variant.
Genome position (GRCh38, 1-based): chr12:20,815,786, A>G. VCF-style: chr12-20815786-A-G. GRCh37 (hg19) VCF-style: chr12-20968720-A-G.
Other names: c.48A>G, p.Ser16= (NM_001371097.1).
Identifiers: ClinVar variation 4984342 (VCV004984342.1).
Genomic context (GRCh38, chr12:20,815,786, plus strand): 5'-CTGTAGTTTAATAATGGACCAACATCAACATTTGAATAAAACAGCAGAGTCAGCATCTTC[A>G]GAGAAAAAGAAAACAAGACGCTGCAATGGATTCAAGGTAGAATGGGTTTTATATTTTCAA-3'
Protein context (NP_062818.1, residues 6-26): HLNKTAESAS[Ser16=]EKKKTRRCNG